The following is an entry in ClinVar:

ClinVar aggregate classification (germline): Likely benign (1 of 4 stars; one submission).

Allele frequency attached by ClinVar (database versions not stated): TOPMed below 0.00001.

Submission:

CeGaT Center for Human Genetics Tuebingen
Classification: Likely benign. Last evaluated: 2022-10-01. Review status: criteria provided, single submitter. Criteria: CeGaT Center For Human Genetics Tuebingen Variant Classification Criteria Version 2. Collection method: clinical testing. Allele origin: germline. Affected: yes. Observed: 1 variant allele.
Comment: B3GLCT: PM2:Supporting, BP4, BP7

NM_194318.4(B3GLCT):c.1302T>C (p.Pro434=)

Gene: B3GLCT (beta 3-glucosyltransferase; plus strand). Cytogenetic location: 13q12.3.
Variant type: single nucleotide variant.
Coding change: c.1302T>C on transcript NM_194318.4 (MANE Select); coding-DNA position 1302, T replaced by C.
Protein change: p.Pro434=; no amino-acid change (proline 434 retained).
Molecular consequence: synonymous variant.
Genome position (GRCh38, 1-based): chr13:31,323,868, T>C. VCF-style: chr13-31323868-T-C. GRCh37 (hg19) VCF-style: chr13-31898005-T-C.
Identifiers: ClinVar variation 2643718 (VCV002643718.24), dbSNP rs1875465972, ClinGen allele CA483373468.